The following is an entry in ClinVar:

ClinVar aggregate classification (germline): Likely benign (1 of 4 stars; one submission).

Conditions:
Catecholaminergic polymorphic ventricular tachycardia (CVPT). Also called: Catecholamine-induced polymorphic ventricular tachycardia. Identifiers: Orphanet 3286, MedGen C5574922, MONDO:0017990.

Allele frequency attached by ClinVar (database versions not stated): gnomAD exomes below 0.00001.
gnomAD v4.1: 1 of 1,408,396 alleles (0.000071%); highest among the groups gnomAD compares: Non-Finnish European, 0.000096%; no homozygotes.

Submission:

All of Us Research Program, National Institutes of Health
Classification: Likely benign for Catecholaminergic polymorphic ventricular tachycardia. Last evaluated: 2023-03-09. Review status: criteria provided, single submitter. Criteria: ACMG Guidelines, 2015. Collection method: clinical testing. Allele origin: germline. Inheritance: Autosomal dominant inheritance. Observed: 1 variant allele, 1 heterozygote.
Comment: This study involves interpretation of variants in research participants for the purpose of population health screening. Participant phenotype was not available at the time of variant classification. Additional details can be found in publication PMID: 35346344, PMCID: PMC8962531

NM_001035.3(RYR2):c.8130-14T>C

Gene: RYR2 (ryanodine receptor 2; plus strand). Cytogenetic location: 1q43.
Variant type: single nucleotide variant.
Coding change: c.8130-14T>C on transcript NM_001035.3 (MANE Select); 14 bases into the intron before coding-DNA position 8130, T replaced by C.
Molecular consequence: intron variant.
Genome position (GRCh38, 1-based): chr1:237,657,930, T>C. VCF-style: chr1-237657930-T-C. GRCh37 (hg19) VCF-style: chr1-237821230-T-C.
Identifiers: ClinVar variation 3069883 (VCV003069883.1), dbSNP rs2547099914, ClinGen allele CA2651207015.